The following is an entry in ClinVar:

ClinVar aggregate classification (germline): Conflicting classifications of pathogenicity. Review status: criteria provided, conflicting classifications (1 of 4 stars). 4 submissions from 4 submitters: Uncertain significance (2); Likely benign (2). Last evaluated 2026-07-01.

Conditions:
Inborn genetic diseases. Identifiers: MedGen C0950123, MeSH D030342.

Allele frequency attached by ClinVar (database versions not stated): gnomAD exomes 0.00002 and 0.00005; ExAC 0.00003; ESP Exome Variant Server 0.00008; gnomAD 0.00011 and 0.00014; 1000 Genomes Project 30x 0.00016; TOPMed 0.00018; 1000 Genomes Project 0.00020.
gnomAD v4.1: 45 of 1,613,728 alleles (0.0028%); highest among the groups gnomAD compares: African/African-American, 0.036%; no homozygotes.

Submissions (4):

CeGaT Center for Human Genetics Tuebingen
Classification: Likely benign. Last evaluated: 2026-07-01. Review status: criteria provided, single submitter. Criteria: CeGaT Center For Human Genetics Tuebingen Variant Classification Criteria Version 2. Collection method: clinical testing. Allele origin: germline. Affected: yes. Observed: 1 variant allele.
Comment: LARS2: BP4

GeneDx
Classification: Uncertain significance. Last evaluated: 2025-03-23. Review status: criteria provided, single submitter. Criteria: GeneDx Variant Classification Process June 2021. Collection method: clinical testing. Allele origin: germline. Affected: yes.
Comment: In silico analysis indicates that this missense variant does not alter protein structure/function; Has not been previously published as pathogenic or benign to our knowledge; This variant is associated with the following publications: (PMID: 36413997)

Ambry Genetics
Classification: Likely benign for Inborn genetic diseases. Last evaluated: 2024-01-19. Review status: criteria provided, single submitter. Criteria: Ambry Variant Classification Scheme 2023. Collection method: clinical testing. Allele origin: germline.

Labcorp Genetics (formerly Invitae), Labcorp
Classification: Uncertain significance. Last evaluated: 2022-07-14. Review status: criteria provided, single submitter. Criteria: Invitae Variant Classification Sherloc (09022015). Collection method: clinical testing. Allele origin: germline.
Comment: This sequence change replaces isoleucine, which is neutral and non-polar, with valine, which is neutral and non-polar, at codon 753 of the LARS2 protein (p.Ile753Val). This variant is present in population databases (rs138699045, gnomAD 0.03%). This variant has not been reported in the literature in individuals affected with LARS2-related conditions. ClinVar contains an entry for this variant (Variation ID: 1254059). Algorithms developed to predict the effect of missense changes on protein structure and function output the following: SIFT: "Tolerated"; PolyPhen-2: "Benign"; Align-GVGD: "Class C0". The valine amino acid residue is found in multiple mammalian species, which suggests that this missense change does not adversely affect protein function. Algorithms developed to predict the effect of sequence changes on RNA splicing suggest that this variant may create or strengthen a splice site. In summary, the available evidence is currently insufficient to determine the role of this variant in disease. Therefore, it has been classified as a Variant of Uncertain Significance.

Literature cited by the submitters: PubMed 36413997 (cited by Ambry Genetics).

NM_015340.4(LARS2):c.2257A>G (p.Ile753Val)

Gene: LARS2 (leucyl-tRNA synthetase 2, mitochondrial; plus strand). Cytogenetic location: 3p21.31.
Variant type: single nucleotide variant.
Coding change: c.2257A>G on transcript NM_015340.4 (MANE Select); coding-DNA position 2257, A replaced by G.
Protein change: p.Ile753Val; replaces isoleucine 753 with valine.
Molecular consequence: missense variant.
Genome position (GRCh38, 1-based): chr3:45,520,261, A>G. VCF-style: chr3-45520261-A-G. GRCh37 (hg19) VCF-style: chr3-45561753-A-G.
Other names: c.2257A>G, p.Ile753Val (NM_001368263.1); short protein forms I753V.
Identifiers: ClinVar variation 1254059 (VCV001254059.10), dbSNP rs138699045, ClinGen allele CA2349815.